The following is an entry in ClinVar:

NM_024753.5(TTC21B):c.3048C>G (p.Asn1016Lys)

Gene: TTC21B (tetratricopeptide repeat domain 21B; minus strand). Cytogenetic location: 2q24.3.
Variant type: single nucleotide variant.
Coding change: c.3048C>G on transcript NM_024753.5 (MANE Select); coding-DNA position 3048, C replaced by G.
Protein change: p.Asn1016Lys; replaces asparagine 1016 with lysine.
Molecular consequence: missense variant.
Genome position (GRCh38, 1-based): chr2:165,890,891, G>C on the plus strand (C>G on the coding strand, the complement: TTC21B is on the minus strand). VCF-style: chr2-165890891-G-C. GRCh37 (hg19) VCF-style: chr2-166747401-G-C.
Other names: short protein forms N1016K.
Identifiers: ClinVar variation 1495470 (VCV001495470.8), dbSNP rs1685165771, ClinGen allele CA349048319.

ClinVar aggregate classification (germline): Uncertain significance (1 of 4 stars; one submission).

Conditions:
Nephronophthisis. Also called: Juvenile Nephronophthisis. Identifiers: Orphanet 655, MedGen C0687120, MONDO:0019005, HP:0000090.
Jeune thoracic dystrophy. Also called: Jeune syndrome; Short-rib thoracic dysplasia; Infantile thoracic dystrophy; Thoracic pelvic phalangeal dystrophy; Jeune's syndrome; Chondroectodermal dysplasia-like syndrome. Identifiers: Orphanet 474, MedGen C0265275, MONDO:0018770.

Submission:

Labcorp Genetics (formerly Invitae), Labcorp
Classification: Uncertain significance for Jeune thoracic dystrophy; Nephronophthisis. Last evaluated: 2023-07-07. Review status: criteria provided, single submitter. Criteria: Invitae Variant Classification Sherloc (09022015). Collection method: clinical testing. Allele origin: germline.
Comment: This sequence change replaces asparagine, which is neutral and polar, with lysine, which is basic and polar, at codon 1016 of the TTC21B protein (p.Asn1016Lys). This variant is not present in population databases (gnomAD no frequency). This variant has not been reported in the literature in individuals affected with TTC21B-related conditions. ClinVar contains an entry for this variant (Variation ID: 1495470). Advanced modeling of protein sequence and biophysical properties (such as structural, functional, and spatial information, amino acid conservation, physicochemical variation, residue mobility, and thermodynamic stability) performed at Invitae indicates that this missense variant is not expected to disrupt TTC21B protein function. Algorithms developed to predict the effect of sequence changes on RNA splicing suggest that this variant may disrupt the consensus splice site. In summary, the available evidence is currently insufficient to determine the role of this variant in disease. Therefore, it has been classified as a Variant of Uncertain Significance.